The following is an entry in ClinVar:

NM_139027.6(ADAMTS13):c.1651dup (p.Asp551fs)

Gene: ADAMTS13 (ADAM metallopeptidase with thrombospondin type 1 motif 13; plus strand). Cytogenetic location: 9q34.2.
Variant type: Duplication.
Coding change: c.1651dup on transcript NM_139027.6 (MANE Select); coding-DNA position 1651, one base duplicated (G; older notation c.1651dupG).
Protein change: p.Asp551fs; shifts the reading frame from aspartic acid 551.
Molecular consequence: frameshift variant.
Genome position (GRCh38, 1-based): chr9:133,438,312, G duplicated; the last of 4 consecutive G bases (chr9:133,438,309-133,438,312); duplicating any one gives the same sequence. VCF-style (leftmost placement, unchanged base first): chr9-133438308-T-TG. GRCh37 (hg19) VCF-style: chr9-136303428-T-TG.
Other names: p.Asp551Glyfs*64; c.1651dup, p.Asp551fs (NM_139025.5); c.1558dup, p.Asp520fs (NM_139026.6); short protein forms D520fs, D551fs.
Identifiers: ClinVar variation 4541502 (VCV004541502.1).

ClinVar aggregate classification (germline): Likely pathogenic (1 of 4 stars; one submission).

Submission:

Mayo Clinic Laboratories, Mayo Clinic
Classification: Likely pathogenic. Last evaluated: 2025-02-25. Review status: criteria provided, single submitter. Criteria: ACMG Guidelines, 2015. Collection method: clinical testing. Allele origin: germline. Observed: 1 variant allele.
Comment: PM2_supporting, PVS1